The following is an entry in ClinVar:

ClinVar aggregate classification (germline): Uncertain significance. Review status: criteria provided, multiple submitters, no conflicts (2 of 4 stars). 4 submissions from 4 submitters: Uncertain significance (4). Last evaluated 2025-11-25.

Conditions:
Sessile serrated polyposis cancer syndrome (SSPCS). Identifiers: Orphanet 157798, MedGen C4310714, MONDO:0014919, OMIM 617108.

Allele frequency attached by ClinVar (database versions not stated): ExAC 0.00002; gnomAD 0.00006; TOPMed 0.00007.
gnomAD v4.1: 15 of 1,614,046 alleles (0.00093%); highest among the groups gnomAD compares: African/African-American, 0.02%; no homozygotes.

Submissions (4):

Labcorp Genetics (formerly Invitae), Labcorp
Classification: Uncertain significance. Last evaluated: 2025-11-25. Review status: criteria provided, single submitter. Criteria: Invitae Variant Classification Sherloc (09022015). Collection method: clinical testing. Allele origin: germline.
Comment: This sequence change replaces glutamic acid, which is acidic and polar, with glutamine, which is neutral and polar, at codon 780 of the RNF43 protein (p.Glu780Gln). This variant is present in population databases (rs35445516, gnomAD 0.02%). This variant has not been reported in the literature in individuals affected with RNF43-related conditions. ClinVar contains an entry for this variant (Variation ID: 2060300). An algorithm developed to predict the effect of missense changes on protein structure and function (PolyPhen-2) suggests that this variant is likely to be disruptive. In summary, the available evidence is currently insufficient to determine the role of this variant in disease. Therefore, it has been classified as a Variant of Uncertain Significance.

Ambry Genetics
Classification: Uncertain significance. Last evaluated: 2025-01-25. Review status: criteria provided, single submitter. Criteria: Ambry Variant Classification Scheme 2023. Collection method: clinical testing. Allele origin: germline.
Comment: The p.E780Q variant (also known as c.2338G>C), located in coding exon 9 of the RNF43 gene, results from a G to C substitution at nucleotide position 2338. The glutamic acid at codon 780 is replaced by glutamine, an amino acid with highly similar properties. This amino acid position is conserved. In addition, this alteration is predicted to be tolerated by in silico analysis. Based on the available evidence, the clinical significance of this variant remains unclear.

Fulgent Genetics
Classification: Uncertain significance for Sessile serrated polyposis cancer syndrome. Last evaluated: 2024-05-06. Review status: criteria provided, single submitter. Criteria: ACMG Guidelines, 2015. Collection method: clinical testing. Allele origin: germline.

Baylor Genetics
Classification: Uncertain significance for Sessile serrated polyposis cancer syndrome. Last evaluated: 2023-10-09. Review status: criteria provided, single submitter. Criteria: ACMG Guidelines, 2015. Collection method: clinical testing. Allele origin: unknown.

NM_017763.6(RNF43):c.2338G>C (p.Glu780Gln)

Gene: RNF43 (ring finger protein 43; minus strand). Cytogenetic location: 17q22.
Variant type: single nucleotide variant.
Coding change: c.2338G>C on transcript NM_017763.6 (MANE Select); coding-DNA position 2338, G replaced by C.
Protein change: p.Glu780Gln; replaces glutamic acid 780 with glutamine.
Molecular consequence: missense variant.
Genome position (GRCh38, 1-based): chr17:58,354,957, C>G on the plus strand (G>C on the coding strand, the complement: RNF43 is on the minus strand). VCF-style: chr17-58354957-C-G. GRCh37 (hg19) VCF-style: chr17-56432318-C-G.
Other names: c.2338G>C (NM_017763.4); c.2338G>C, p.Glu780Gln (NM_001305544.3); c.1957G>C, p.Glu653Gln (NM_001305545.2); short protein forms E653Q, E780Q.
Identifiers: ClinVar variation 2060300 (VCV002060300.8), dbSNP rs35445516, ClinGen allele CA8672988.